The following is an entry in ClinVar:

ClinVar aggregate classification (germline): Uncertain significance (1 of 4 stars; one submission).

Submission:

Labcorp Genetics (formerly Invitae), Labcorp
Classification: Uncertain significance. Last evaluated: 2022-01-12. Review status: criteria provided, single submitter. Criteria: Invitae Variant Classification Sherloc (09022015). Collection method: clinical testing. Allele origin: germline.
Comment: This sequence change replaces isoleucine, which is neutral and non-polar, with valine, which is neutral and non-polar, at codon 820 of the TRPM1 protein (p.Ile820Val). This variant is not present in population databases (gnomAD no frequency). Algorithms developed to predict the effect of missense changes on protein structure and function (SIFT, PolyPhen-2, Align-GVGD) all suggest that this variant is likely to be tolerated. This variant has not been reported in the literature in individuals affected with TRPM1-related conditions. Algorithms developed to predict the effect of sequence changes on RNA splicing suggest that this variant may create or strengthen a splice site. In summary, the available evidence is currently insufficient to determine the role of this variant in disease. Therefore, it has been classified as a Variant of Uncertain Significance.

NM_001252024.2(TRPM1):c.2524A>G (p.Ile842Val)

Gene: TRPM1 (transient receptor potential cation channel subfamily M member 1; minus strand). Cytogenetic location: 15q13.3.
Variant type: single nucleotide variant.
Coding change: c.2524A>G on transcript NM_001252024.2 (MANE Select); coding-DNA position 2524, A replaced by G.
Protein change: p.Ile842Val; replaces isoleucine 842 with valine.
Molecular consequence: missense variant.
Genome position (GRCh38, 1-based): chr15:31,037,758, T>C on the plus strand (A>G on the coding strand, the complement: TRPM1 is on the minus strand). VCF-style: chr15-31037758-T-C. GRCh37 (hg19) VCF-style: chr15-31329961-T-C.
Other names: c.2575A>G, p.Ile859Val (NM_001252020.2); c.2458A>G, p.Ile820Val (NM_002420.6); short protein forms I842V, I820V, I859V.
Identifiers: ClinVar variation 1392081 (VCV001392081.8), dbSNP rs2140923720, ClinGen allele CA391547024.